The following is an entry in ClinVar:

NM_002485.5(NBN):c.1327A>G (p.Lys443Glu)

Gene: NBN (nibrin; minus strand). Cytogenetic location: 8q21.3.
Variant type: single nucleotide variant.
Coding change: c.1327A>G on transcript NM_002485.5 (MANE Select); coding-DNA position 1327, A replaced by G.
Protein change: p.Lys443Glu; replaces lysine 443 with glutamic acid.
Molecular consequence: missense variant.
Genome position (GRCh38, 1-based): chr8:89,955,353, T>C on the plus strand (A>G on the coding strand, the complement: NBN is on the minus strand). VCF-style: chr8-89955353-T-C. GRCh37 (hg19) VCF-style: chr8-90967581-T-C.
Other names: c.1081A>G, p.Lys361Glu (NM_001024688.3); short protein forms K443E, K361E.
Identifiers: ClinVar variation 530733 (VCV000530733.8), dbSNP rs1554559094, ClinGen allele CA371656105.

ClinVar aggregate classification (germline): Uncertain significance (1 of 4 stars; one submission).

Conditions:
Microcephaly, normal intelligence and immunodeficiency (NBS). Also called: Immunodeficiency, microcephaly with normal intelligence; Ataxia telangiectasia variant V1; IMMUNODEFICIENCY, MICROCEPHALY, AND CHROMOSOMAL INSTABILITY; BERLIN BREAKAGE SYNDROME; SEEMANOVA SYNDROME II; Nijmegen breakage syndrome. Identifiers: Orphanet 647, MedGen C0398791, MONDO:0009623, OMIM 251260.

Submission:

Labcorp Genetics (formerly Invitae), Labcorp
Classification: Uncertain significance for Microcephaly, normal intelligence and immunodeficiency. Last evaluated: 2017-12-18. Review status: criteria provided, single submitter. Criteria: Invitae Variant Classification Sherloc (09022015). Collection method: clinical testing. Allele origin: germline.
Comment: This sequence change replaces lysine with glutamic acid at codon 443 of the NBN protein (p.Lys443Glu). The lysine residue is weakly conserved and there is a small physicochemical difference between lysine and glutamic acid. This variant is not present in population databases (ExAC no frequency). This variant has not been reported in the literature in individuals with NBN-related disease. Algorithms developed to predict the effect of missense changes on protein structure and function (SIFT, PolyPhen-2, Align-GVGD) all suggest that this variant is likely to be tolerated, but these predictions have not been confirmed by published functional studies and their clinical significance is uncertain. In summary, the available evidence is currently insufficient to determine the role of this variant in disease. Therefore, it has been classified as a Variant of Uncertain Significance.